The following is an entry in ClinVar:

ClinVar aggregate classification (germline): Conflicting classifications of pathogenicity. Review status: criteria provided, conflicting classifications (1 of 4 stars). 8 submissions from 8 submitters: Uncertain significance (5); Likely benign (3). Last evaluated 2026-03-25.

Conditions:
USH2A-related disorder. Also called: USH2A-related disorders; USH2A-related condition. Identifiers: MedGen CN239332.
Retinitis pigmentosa 39 (RP39). Identifiers: Orphanet 791, MedGen C3151138, MONDO:0013436, OMIM 613809.
Usher syndrome type 2A. Also called: USHER SYNDROME, TYPE IIA; RETINAL DISEASE IN USHER SYNDROME TYPE IIA, MODIFIER OF. Identifiers: Orphanet 231178, Orphanet 886, MedGen C1848634, MONDO:0010169, OMIM 276901.

Allele frequency attached by ClinVar (database versions not stated): gnomAD 0.00047 and 0.00045; gnomAD exomes 0.00059 and 0.00041; 1000 Genomes Project 0.00060; TOPMed 0.00060; 1000 Genomes Project 30x 0.00062; ESP Exome Variant Server 0.00062; ExAC 0.00037.
gnomAD v4.1: 918 of 1,613,828 alleles (0.057%); highest among the groups gnomAD compares: Non-Finnish European, 0.069%; no homozygotes.

Submissions (8):

PreventionGenetics, part of Exact Sciences
Classification: Uncertain significance for USH2A-related condition. Last evaluated: 2026-03-25. Review status: criteria provided, single submitter. Criteria: ACMG Guidelines, 2015. Collection method: clinical testing. Allele origin: germline.
Comment: The USH2A c.9203T>C variant is predicted to result in the amino acid substitution p.Val3068Ala. This variant was reported in cis with pathogenic USH2A variant in absence of additional variant in trans in an individual with Hearing loss (Tang et al. 2015. PubMed ID: 25991456). This variant was also observed in an individual with retinal and optical nerve disorder, however no additional information was provided (Table S12, Diñeiro et al. 2020. PubMed ID: 32483926) and in an individual with posterior uveitis, where the variant was assessed as likely benign (Table S2, Li et al. 2020. PubMed ID: 32707200). This variant is reported in 0.071% of alleles in individuals of European (Non-Finnish) descent in gnomAD. Although we suspect that this variant may be benign, at this time, the clinical significance of this variant is uncertain due to the absence of conclusive functional and genetic evidence.

CeGaT Center for Human Genetics Tuebingen
Classification: Uncertain significance. Last evaluated: 2026-02-01. Review status: criteria provided, single submitter. Criteria: CeGaT Center For Human Genetics Tuebingen Variant Classification Criteria Version 2. Collection method: clinical testing. Allele origin: germline. Affected: yes. Observed: 3 variant alleles.
Comment: USH2A: PM2, BP1, BP4

Labcorp Genetics (formerly Invitae), Labcorp
Classification: Likely benign. Last evaluated: 2026-01-20. Review status: criteria provided, single submitter. Criteria: Invitae Variant Classification Sherloc (09022015). Collection method: clinical testing. Allele origin: germline.

Blueprint Genetics
Classification: Likely benign. Last evaluated: 2024-11-18. Review status: criteria provided, single submitter. Criteria: ACMG Guidelines, 2015. Collection method: clinical testing. Allele origin: germline.

GeneDx
Classification: Uncertain significance. Last evaluated: 2023-03-06. Review status: criteria provided, single submitter. Criteria: GeneDx Variant Classification Process June 2021. Collection method: clinical testing. Allele origin: germline. Affected: yes.
Comment: Reported in an individual with hearing loss who also harbored a nonsense variant on the same USH2A allele (in cis), however, this individual did not have an additional disease-causing variant on the opposite allele (in trans) (Tang et al., 2015); In silico analysis supports that this missense variant does not alter protein structure/function; This variant is associated with the following publications: (PMID: 25991456, 32707200, 32483926)

Department of Pathology and Laboratory Medicine, Sinai Health System
Classification: Uncertain significance for Usher syndrome type 2A; Retinitis pigmentosa 39. Last evaluated: 2022-04-07. Review status: criteria provided, single submitter. Criteria: ACMG Guidelines, 2015. Collection method: research. Allele origin: germline.

Myriad Genetics, Inc.
Classification: Uncertain significance for Usher syndrome type 2A. Last evaluated: 2021-10-01. Review status: criteria provided, single submitter. Criteria: Myriad Women's Health Autosomal Recessive and X-Linked Classification Criteria (2021). Collection method: clinical testing. Allele origin: unknown.
Comment: NM_206933.2(USH2A):c.9203T>C(V3068A) is a missense variant classified as a variant of uncertain significance in the context of USH2A-related disorders. V3068A has been observed in cases with relevant disease (PMID: 25991456). Functional assessments of this variant are not available in the literature. V3068A has been observed in population frequency databases (gnomAD: NFE 0.07%). In summary, there is insufficient evidence to classify NM_206933.2(USH2A):c.9203T>C(V3068A) as pathogenic or benign. Please note: this variant was assessed in the context of healthy population screening.

Laboratory for Molecular Medicine, Mass General Brigham Personalized Medicine
Classification: Likely benign. Last evaluated: 2017-08-15. Review status: criteria provided, single submitter. Criteria: LMM Criteria. Collection method: clinical testing. Allele origin: germline. Observed: 3 variant alleles.
Comment: p.Val3068Ala in exon 46 of USH2A: This variant is not expected to have clinical significance because of a lack of conservation across species including mammals. Of note, rat, mouse and opossum have an alanine at this position despite high n earby amino acid conservation. It has been identified in 85/126144 of European c hromosomes by the Genome Aggregation Database (gnomAD; dbSNP rs146445078).

Literature cited by the submitters: PubMed 25991456 (cited by Myriad Genetics, Inc.).

NM_206933.4(USH2A):c.9203T>C (p.Val3068Ala)

Gene: USH2A (usherin; minus strand). Cytogenetic location: 1q41.
Variant type: single nucleotide variant.
Coding change: c.9203T>C on transcript NM_206933.4 (MANE Select); coding-DNA position 9203, T replaced by C.
Protein change: p.Val3068Ala; replaces valine 3068 with alanine.
Molecular consequence: missense variant.
Genome position (GRCh38, 1-based): chr1:215,844,349, A>G on the plus strand (T>C on the coding strand, the complement: USH2A is on the minus strand). VCF-style: chr1-215844349-A-G. GRCh37 (hg19) VCF-style: chr1-216017691-A-G.
Other names: short protein forms V3068A.
Identifiers: ClinVar variation 48614 (VCV000048614.59), dbSNP rs146445078, ClinGen allele CA143646.